The following is an entry in ClinVar:

NM_032043.3(BRIP1):c.231T>C (p.Ser77=)

Gene: BRIP1 (BRCA1 interacting DNA helicase 1; minus strand). Cytogenetic location: 17q23.2.
Variant type: single nucleotide variant.
Coding change: c.231T>C on transcript NM_032043.3 (MANE Select); coding-DNA position 231, T replaced by C.
Protein change: p.Ser77=; no amino-acid change (serine 77 retained).
Molecular consequence: synonymous variant.
Genome position (GRCh38, 1-based): chr17:61,857,206, A>G on the plus strand (T>C on the coding strand, the complement: BRIP1 is on the minus strand). VCF-style: chr17-61857206-A-G. GRCh37 (hg19) VCF-style: chr17-59934567-A-G.
Identifiers: ClinVar variation 3378685 (VCV003378685.1).

ClinVar aggregate classification (germline): Benign (1 of 4 stars; one submission).

Conditions:
Familial cancer of breast. Also called: hereditary breast carcinoma; Hereditary breast cancer; BREAST CANCER, FAMILIAL. Identifiers: Orphanet 227535, MedGen C0346153, MONDO:0016419, OMIM 114480. Disease mechanism: loss of function.

Submission:

Myriad Genetics, Inc.
Classification: Benign for Familial cancer of breast. Last evaluated: 2024-08-09. Review status: criteria provided, single submitter. Criteria: Myriad Autosomal Dominant, Autosomal Recessive and X-Linked Classification Criteria (2023). Collection method: clinical testing. Allele origin: unknown.
Comment: This variant is considered benign. This variant is a silent/synonymous amino acid change and it is not expected to impact splicing.